The following is an entry in ClinVar:

NM_001379286.1(ZNF423):c.3164C>A (p.Ala1055Glu)

Gene: ZNF423 (zinc finger protein 423; minus strand). Cytogenetic location: 16q12.1.
Variant type: single nucleotide variant.
Coding change: c.3164C>A on transcript NM_001379286.1 (MANE Select); coding-DNA position 3164, C replaced by A.
Protein change: p.Ala1055Glu; replaces alanine 1055 with glutamic acid.
Molecular consequence: missense variant.
Genome position (GRCh38, 1-based): chr16:49,636,012, G>T on the plus strand (C>A on the coding strand, the complement: ZNF423 is on the minus strand). VCF-style: chr16-49636012-G-T. GRCh37 (hg19) VCF-style: chr16-49669923-G-T.
Other names: c.2960C>A, p.Ala987Glu (NM_001271620.2); c.2789C>A, p.Ala930Glu (NM_001330533.2); c.3140C>A, p.Ala1047Glu (NM_015069.5); short protein forms A1055E, A930E, A1047E, A987E.
Identifiers: ClinVar variation 1504430 (VCV001504430.8), dbSNP rs111229124, ClinGen allele CA395840255.
Genomic context (GRCh38, chr16:49,636,012, plus strand): 5'-GCGCACTTGTAGAGCTTCTGCAGCCCCTGGCCATTGGGGGAGGACGCCGCTGAGCTGCCC[G>T]CCAGCTTCTGCATGTGGAAGGTGCCATGGATCTTGAGCTCAAGCGTGGAAGTGACTGTCT-3'
Protein context (NP_001366215.1, residues 1045-1065): IHGTFHMQKL[Ala1055Glu]GSSAASSPNG

ClinVar aggregate classification (germline): Uncertain significance (1 of 4 stars; one submission).

Conditions:
Nephronophthisis 14 (NPHP14). Identifiers: Orphanet 2318, MedGen C3539071, MONDO:0013916, OMIM 614844.

Submission:

Labcorp Genetics (formerly Invitae), Labcorp
Classification: Uncertain significance for Nephronophthisis 14. Last evaluated: 2022-10-24. Review status: criteria provided, single submitter. Criteria: Invitae Variant Classification Sherloc (09022015). Collection method: clinical testing. Allele origin: germline.
Comment: In summary, the available evidence is currently insufficient to determine the role of this variant in disease. Therefore, it has been classified as a Variant of Uncertain Significance. Advanced modeling of protein sequence and biophysical properties (such as structural, functional, and spatial information, amino acid conservation, physicochemical variation, residue mobility, and thermodynamic stability) performed at Invitae indicates that this missense variant is not expected to disrupt ZNF423 protein function. ClinVar contains an entry for this variant (Variation ID: 1504430). This variant has not been reported in the literature in individuals affected with ZNF423-related conditions. This variant is not present in population databases (gnomAD no frequency). This sequence change replaces alanine, which is neutral and non-polar, with glutamic acid, which is acidic and polar, at codon 1047 of the ZNF423 protein (p.Ala1047Glu).